The following is an entry in ClinVar:

ClinVar aggregate classification (germline): Uncertain significance (1 of 4 stars; one submission).

Allele frequency attached by ClinVar (database versions not stated): TOPMed below 0.00001; ExAC 0.00001.
gnomAD v4.1: 2 of 1,614,138 alleles (0.00012%); highest among the groups gnomAD compares: Non-Finnish European, 0.000085%; no homozygotes.

Submission:

Mayo Clinic Laboratories, Mayo Clinic
Classification: Uncertain significance. Last evaluated: 2022-04-01. Review status: criteria provided, single submitter. Criteria: ACMG Guidelines, 2015. Collection method: clinical testing. Allele origin: germline. Observed: 1 variant allele.
Comment: BP4, PM2

NM_006096.4(NDRG1):c.646G>A (p.Val216Met)

Gene: NDRG1 (N-myc downstream regulated 1; minus strand). Cytogenetic location: 8q24.22.
Variant type: single nucleotide variant.
Coding change: c.646G>A on transcript NM_006096.4 (MANE Select); coding-DNA position 646, G replaced by A.
Protein change: p.Val216Met; replaces valine 216 with methionine.
Molecular consequence: missense variant.
Genome position (GRCh38, 1-based): chr8:133,250,492, C>T on the plus strand (G>A on the coding strand, the complement: NDRG1 is on the minus strand). VCF-style: chr8-133250492-C-T. GRCh37 (hg19) VCF-style: chr8-134262735-C-T.
Other names: p.Val216Met; c.646G>A, p.Val216Met (NM_001135242.2, NM_001374845.1, NM_001374846.1); c.448G>A, p.Val150Met (NM_001258432.2, NM_001374847.1); c.403G>A, p.Val135Met (NM_001258433.2); c.697G>A, p.Val233Met (NM_001374844.1); short protein forms V135M, V150M, V216M, V233M.
Identifiers: ClinVar variation 2683030 (VCV002683030.1), dbSNP rs761481771, ClinGen allele CA4886652.